The following is an entry in ClinVar:

NM_014285.7(EXOSC2):c.453C>T (p.Asp151=)

Gene: EXOSC2 (exosome component 2; plus strand). Cytogenetic location: 9q34.12.
Variant type: single nucleotide variant.
Coding change: c.453C>T on transcript NM_014285.7 (MANE Select); coding-DNA position 453, C replaced by T.
Protein change: p.Asp151=; no amino-acid change (aspartic acid 151 retained).
Molecular consequence: synonymous variant. On other transcripts: intron variant (1).
Genome position (GRCh38, 1-based): chr9:130,700,893, C>T. VCF-style: chr9-130700893-C-T. GRCh37 (hg19) VCF-style: chr9-133576280-C-T.
Other names: c.363C>T, p.Asp121= (NM_001282709.1); c.427-1250C>T (NM_001282708.1).
Identifiers: ClinVar variation 1154608 (VCV001154608.11), dbSNP rs370896785, ClinGen allele CA5284875.
Genomic context (GRCh38, chr9:130,700,893, plus strand): 5'-AGGCTGCTGTTTGTTCCTTCATCACCCTGGCCAGGCTGAGGTCCAGGCAGTGTTCTCTGA[C>T]GGAGCTGTCTCTTTGCACACGAGGAGCCTGAAATATGGAAAAGTAAGTCGGGCTCTTGAT-3'
Protein context (NP_055100.2, residues 141-161): ISAEVQAVFS[Asp151=]GAVSLHTRSL

ClinVar aggregate classification (germline): Likely benign. Review status: criteria provided, multiple submitters, no conflicts (2 of 4 stars). 3 submissions from 3 submitters: Likely benign (3). Last evaluated 2026-08-01.

Allele frequency attached by ClinVar (database versions not stated): gnomAD exomes 0.00011 and 0.00019; ExAC 0.00021; gnomAD 0.00005 and 0.00006; ESP Exome Variant Server 0.00008; TOPMed 0.00009.
gnomAD v4.1: 165 of 1,613,942 alleles (0.01%); highest among the groups gnomAD compares: Admixed American, 0.057%; 1 homozygote.

Submissions (3):

CeGaT Center for Human Genetics Tuebingen
Classification: Likely benign. Last evaluated: 2026-08-01. Review status: criteria provided, single submitter. Criteria: CeGaT Center For Human Genetics Tuebingen Variant Classification Criteria Version 2. Collection method: clinical testing. Allele origin: germline. Affected: yes. Observed: 1 variant allele.
Comment: EXOSC2: BP4, BP7

Labcorp Genetics (formerly Invitae), Labcorp
Classification: Likely benign. Last evaluated: 2025-10-18. Review status: criteria provided, single submitter. Criteria: Invitae Variant Classification Sherloc (09022015). Collection method: clinical testing. Allele origin: germline.

Blueprint Genetics
Classification: Likely benign. Last evaluated: 2023-09-20. Review status: criteria provided, single submitter. Criteria: ACMG Guidelines, 2015. Collection method: clinical testing. Allele origin: germline.